The following is an entry in ClinVar:

ClinVar aggregate classification (germline): Conflicting classifications of pathogenicity. Review status: criteria provided, conflicting classifications (1 of 4 stars). 3 submissions from 3 submitters: Likely pathogenic (1); Uncertain significance (1). 1 of the submissions does not count toward it. Last evaluated 2025-11-09.

Conditions:
FIG4-related disorder. Also called: FIG4-related disorders; FIG4-related condition.
Inborn genetic diseases. Identifiers: MedGen C0950123, MeSH D030342.
Charcot-Marie-Tooth disease type 4. Also called: Charcot-Marie-Tooth disease, type IV; Charcot-Marie-Tooth, Type 4. Identifiers: Orphanet 64749, MedGen C4082197, MONDO:0018995.

Allele frequency attached by ClinVar (database versions not stated): gnomAD exomes below 0.00001; ExAC 0.00001; gnomAD 0.00002; TOPMed 0.00002.
gnomAD v4.1: 9 of 1,533,788 alleles (0.00059%); highest among the groups gnomAD compares: Non-Finnish European, 0.00081%; no homozygotes.

Submissions (3):

Labcorp Genetics (formerly Invitae), Labcorp
Classification: Likely pathogenic for Charcot-Marie-Tooth disease type 4. Last evaluated: 2025-11-09. Review status: criteria provided, single submitter. Criteria: Invitae Variant Classification Sherloc (09022015). Collection method: clinical testing. Allele origin: germline.
Comment: This sequence change affects a donor splice site in intron 2 of the FIG4 gene. It is expected to disrupt RNA splicing. Variants that disrupt the donor or acceptor splice site typically lead to a loss of protein function (PMID: 16199547), and loss-of-function variants in FIG4 are known to be pathogenic (PMID: 23623387, 30740813). This variant is present in population databases (rs747899855, gnomAD 0.002%). This variant has not been reported in the literature in individuals affected with FIG4-related conditions. ClinVar contains an entry for this variant (Variation ID: 1980794). Algorithms developed to predict the effect of sequence changes on RNA splicing suggest that this variant may disrupt the consensus splice site. In summary, the currently available evidence indicates that the variant is pathogenic, but additional data are needed to prove that conclusively. Therefore, this variant has been classified as Likely Pathogenic.

Ambry Genetics
Classification: Uncertain significance for Inborn genetic diseases. Last evaluated: 2023-12-21. Review status: criteria provided, single submitter. Criteria: Ambry Variant Classification Scheme 2023. Collection method: clinical testing. Allele origin: germline.
Comment: Resulting transcript is predicted to be in-frame and is not expected to trigger nonsense-mediated mRNA decay Based on insufficient or conflicting evidence, the clinical significance of this alteration remains unclear.

PreventionGenetics, part of Exact Sciences
Classification: Likely pathogenic for FIG4-related condition. Last evaluated: 2024-05-03. Review status: no assertion criteria provided. Collection method: clinical testing. Allele origin: germline. Not counted in ClinVar's aggregate classification.
Comment: The FIG4 c.165+2T>C variant is predicted to disrupt the GT donor site and interfere with normal splicing. To our knowledge, this variant has not been reported in the literature. This variant is reported in 0.0018% of alleles in individuals of European (Non-Finnish) descent in gnomAD. Variants that disrupt the consensus splice donor site in FIG4 are expected to be pathogenic and have primarily been reported in autosomal recessive Charcot-Marie Tooth cases (DiVincenzo et al. 2014. PubMed ID: 25614874; Volodarsky et al. 2021. PubMed ID: 32376792). It is unclear if this splice variant would be associated with amyotrophic lateral sclerosis (ALS). This variant is interpreted as likely pathogenic.

Literature cited by the submitters: PubMed 16199547 (cited by Labcorp Genetics (formerly Invitae), Labcorp); PubMed 23623387 (cited by Labcorp Genetics (formerly Invitae), Labcorp); PubMed 30740813 (cited by Labcorp Genetics (formerly Invitae), Labcorp).

NM_014845.6(FIG4):c.165+2T>C

Gene: FIG4 (FIG4 phosphoinositide 5-phosphatase; plus strand). Cytogenetic location: 6q21.
Variant type: single nucleotide variant.
Coding change: c.165+2T>C on transcript NM_014845.6 (MANE Select); the canonical splice donor site of the intron after coding-DNA position 165, T replaced by C.
Molecular consequence: splice donor variant.
Genome position (GRCh38, 1-based): chr6:109,715,178, T>C. VCF-style: chr6-109715178-T-C. GRCh37 (hg19) VCF-style: chr6-110036381-T-C.
Other names: c.165+2T>C (NM_014845.5).
Identifiers: ClinVar variation 1980794 (VCV001980794.6), dbSNP rs747899855, ClinGen allele CA3955684.